The following is an entry in ClinVar:

ClinVar aggregate classification (germline): Uncertain significance (1 of 4 stars; one submission).

Conditions:
Inborn genetic diseases. Identifiers: MedGen C0950123, MeSH D030342.

Submission:

Ambry Genetics
Classification: Uncertain significance for Inborn genetic diseases. Last evaluated: 2023-05-21. Review status: criteria provided, single submitter. Criteria: Ambry Variant Classification Scheme 2023. Collection method: clinical testing. Allele origin: germline.
Comment: The p.E323G variant (also known as c.968A>G), located in coding exon 4 of the ATR gene, results from an A to G substitution at nucleotide position 968. The glutamic acid at codon 323 is replaced by glycine, an amino acid with similar properties. This amino acid position is conserved. In addition, the in silico prediction for this alteration is inconclusive. Since supporting evidence is limited at this time, the clinical significance of this alteration remains unclear.

NM_001184.4(ATR):c.968A>G (p.Glu323Gly)

Gene: ATR (ATR checkpoint kinase; minus strand). Cytogenetic location: 3q23.
Variant type: single nucleotide variant.
Coding change: c.968A>G on transcript NM_001184.4 (MANE Select); coding-DNA position 968, A replaced by G.
Protein change: p.Glu323Gly; replaces glutamic acid 323 with glycine.
Molecular consequence: missense variant.
Genome position (GRCh38, 1-based): chr3:142,562,434, T>C on the plus strand (A>G on the coding strand, the complement: ATR is on the minus strand). VCF-style: chr3-142562434-T-C. GRCh37 (hg19) VCF-style: chr3-142281276-T-C.
Other names: c.968A>G, p.Glu323Gly (NM_001354579.2); short protein forms E323G.
Identifiers: ClinVar variation 2567837 (VCV002567837.2), dbSNP rs2473426094, ClinGen allele CA354824293.